The following is an entry in ClinVar:

ClinVar aggregate classification (germline): Uncertain significance (1 of 4 stars; one submission).

Submission:

Labcorp Genetics (formerly Invitae), Labcorp
Classification: Uncertain significance. Last evaluated: 2022-09-02. Review status: criteria provided, single submitter. Criteria: Invitae Variant Classification Sherloc (09022015). Collection method: clinical testing. Allele origin: germline.
Comment: In summary, the available evidence is currently insufficient to determine the role of this variant in disease. Therefore, it has been classified as a Variant of Uncertain Significance. Variants that disrupt the consensus splice site are a relatively common cause of aberrant splicing (PMID: 17576681, 9536098). Algorithms developed to predict the effect of sequence changes on RNA splicing suggest that this variant may create or strengthen a splice site. This variant has not been reported in the literature in individuals affected with OPA1-related conditions. This variant is not present in population databases (gnomAD no frequency). This sequence change falls in intron 21 of the OPA1 gene. It does not directly change the encoded amino acid sequence of the OPA1 protein. It affects a nucleotide within the consensus splice site.

Literature cited by the submitters: PubMed 17576681; PubMed 9536098.

NM_130837.3(OPA1):c.2331+6T>A

Gene: OPA1 (OPA1 mitochondrial dynamin like GTPase; plus strand). Cytogenetic location: 3q29.
Variant type: single nucleotide variant.
Coding change: c.2331+6T>A on transcript NM_130837.3 (MANE Select); 6 bases into the intron after coding-DNA position 2331, T replaced by A.
Molecular consequence: intron variant.
Genome position (GRCh38, 1-based): chr3:193,657,238, T>A. VCF-style: chr3-193657238-T-A. GRCh37 (hg19) VCF-style: chr3-193375027-T-A.
Other names: c.1794+6T>A (NM_001354664.2); c.1797+6T>A (NM_001354663.2); c.2220+6T>A (NM_130834.3); c.2277+6T>A (NM_130836.3); c.2166+6T>A (NM_015560.3); c.2223+6T>A (NM_130835.3); c.2112+6T>A (NM_130832.3); c.2169+6T>A (NM_130833.3); and 1 more.
Identifiers: ClinVar variation 2028584 (VCV002028584.4), dbSNP rs2475052238, ClinGen allele CA2580070561.